The following is an entry in ClinVar:

ClinVar aggregate classification (germline): Uncertain significance. Review status: criteria provided, multiple submitters, no conflicts (2 of 4 stars). 3 submissions from 3 submitters: Uncertain significance (3). Last evaluated 2023-09-13.

Conditions:
Fanconi anemia (FA). Also called: Fanconi's anemia. Identifiers: Orphanet 84, MedGen C0015625, MeSH D005199, MONDO:0019391.
Fanconi anemia complementation group I (FANCI). Also called: FANCI-Related Fanconi Anemia. Identifiers: Orphanet 84, MedGen C1836861, MONDO:0012186, OMIM 609053.

Allele frequency attached by ClinVar (database versions not stated): gnomAD exomes below 0.00001 and 0.00001; gnomAD 0.00001; TOPMed 0.00002.
gnomAD v4.1: 14 of 1,614,090 alleles (0.00087%); highest among the groups gnomAD compares: African/African-American, 0.0013%; no homozygotes.

Submissions (3):

Labcorp Genetics (formerly Invitae), Labcorp
Classification: Uncertain significance for Fanconi anemia. Last evaluated: 2023-09-13. Review status: criteria provided, single submitter. Criteria: Invitae Variant Classification Sherloc (09022015). Collection method: clinical testing. Allele origin: germline.
Comment: In summary, the available evidence is currently insufficient to determine the role of this variant in disease. Therefore, it has been classified as a Variant of Uncertain Significance. Advanced modeling of protein sequence and biophysical properties (such as structural, functional, and spatial information, amino acid conservation, physicochemical variation, residue mobility, and thermodynamic stability) performed at Invitae indicates that this missense variant is expected to disrupt FANCI protein function. This sequence change replaces valine, which is neutral and non-polar, with alanine, which is neutral and non-polar, at codon 383 of the FANCI protein (p.Val383Ala). This variant is present in population databases (no rsID available, gnomAD 0.0009%). This variant has not been reported in the literature in individuals affected with FANCI-related conditions. ClinVar contains an entry for this variant (Variation ID: 1692553).

Fulgent Genetics
Classification: Uncertain significance for Fanconi anemia complementation group I. Last evaluated: 2022-02-16. Review status: criteria provided, single submitter. Criteria: ACMG Guidelines, 2015. Collection method: clinical testing. Allele origin: unknown.

Sema4
Classification: Uncertain significance for Fanconi anemia. Last evaluated: 2021-06-20. Review status: criteria provided, single submitter. Criteria: Sema4 Curation Guidelines. Collection method: curation. Allele origin: germline.
Comment: The FANCI c.1148T>C (p.V383A) variant has not been reported in the literature to our knowledge. It was observed in 1/113724 Non-Finnish European subpopulation in the large and broad cohorts of the Genome Aggregation Database (PMID: 32461654). The variant has not been reported in ClinVar. In silico tools suggest the impact of the variant on protein function is inconclusive, though these predictions have not been confirmed by functional studies. The evidence is insufficient to meet ACMG/AMP criteria for classifying the variant as benign or pathogenic. Thus, the clinical significance of this variant is currently uncertain.

NM_001113378.2(FANCI):c.1148T>C (p.Val383Ala)

Gene: FANCI (FA complementation group I; plus strand). Cytogenetic location: 15q26.1.
Variant type: single nucleotide variant.
Coding change: c.1148T>C on transcript NM_001113378.2 (MANE Select); coding-DNA position 1148, T replaced by C.
Protein change: p.Val383Ala; replaces valine 383 with alanine.
Molecular consequence: missense variant.
Genome position (GRCh38, 1-based): chr15:89,276,746, T>C. VCF-style: chr15-89276746-T-C. GRCh37 (hg19) VCF-style: chr15-89819977-T-C.
Other names: c.869T>C, p.Val290Ala (NM_001376910.1); c.1148T>C, p.Val383Ala (NM_001376911.1, NM_018193.3); short protein forms V290A, V383A.
Identifiers: ClinVar variation 1692553 (VCV001692553.3), dbSNP rs1012254525, ClinGen allele CA274555924.